The following is an entry in ClinVar:

ClinVar aggregate classification (germline): Uncertain significance (1 of 4 stars; one submission).

Conditions:
Cardiovascular phenotype. Identifiers: MedGen CN230736.

Allele frequency attached by ClinVar (database versions not stated): gnomAD exomes below 0.00001.

Submission:

Ambry Genetics
Classification: Uncertain significance for Cardiovascular phenotype. Last evaluated: 2021-12-02. Review status: criteria provided, single submitter. Criteria: Ambry Variant Classification Scheme 2023. Collection method: clinical testing. Allele origin: germline.
Comment: The p.I1185T variant (also known as c.3554T>C), located in coding exon 8 of the ALMS1 gene, results from a T to C substitution at nucleotide position 3554. The isoleucine at codon 1185 is replaced by threonine, an amino acid with similar properties. This amino acid position is not well conserved in available vertebrate species. In addition, this alteration is predicted to be tolerated by in silico analysis. Since supporting evidence is limited at this time, the clinical significance of this alteration remains unclear.

NM_001378454.1(ALMS1):c.3551T>C (p.Ile1184Thr)

Gene: ALMS1 (ALMS1 centrosome and basal body associated protein; plus strand). Cytogenetic location: 2p13.1.
Variant type: single nucleotide variant.
Coding change: c.3551T>C on transcript NM_001378454.1 (MANE Select); coding-DNA position 3551, T replaced by C.
Protein change: p.Ile1184Thr; replaces isoleucine 1184 with threonine.
Molecular consequence: missense variant.
Genome position (GRCh38, 1-based): chr2:73,450,078, T>C. VCF-style: chr2-73450078-T-C. GRCh37 (hg19) VCF-style: chr2-73677205-T-C.
Other names: c.3554T>C, p.Ile1185Thr (NM_015120.4); short protein forms I1184T, I1185T.
Identifiers: ClinVar variation 1732620 (VCV001732620.2), dbSNP rs1425997098, ClinGen allele CA347275897.
Genomic context (GRCh38, chr2:73,450,078, plus strand): 5'-TACCTGAAGAGGCTCAGAAAGTTTCAGCTGTTACTGGACCAGGTAACCAGAAGACTTGGA[T>C]ACCAAGAGTACTTTCTACCTTCTACTCACAAAGAGAGAAACCTGGTATTTTCTATCAACA-3'
Protein context (NP_001365383.1, residues 1174-1194): VTGPGNQKTW[Ile1184Thr]PRVLSTFYSQ